The following is an entry in ClinVar:

NM_001242896.3(DEPDC5):c.2845C>A (p.Leu949Met)

Gene: DEPDC5 (DEP domain containing 5, GATOR1 subcomplex subunit; plus strand). Cytogenetic location: 22q12.3.
Variant type: single nucleotide variant.
Coding change: c.2845C>A on transcript NM_001242896.3 (MANE Select); coding-DNA position 2845, C replaced by A.
Protein change: p.Leu949Met; replaces leucine 949 with methionine.
Molecular consequence: missense variant. On other transcripts: non-coding transcript variant (5).
Genome position (GRCh38, 1-based): chr22:31,845,061, C>A. VCF-style: chr22-31845061-C-A. GRCh37 (hg19) VCF-style: chr22-32241047-C-A.
Other names: c.2818C>A, p.Leu940Met (NM_001136029.4, NM_001369903.1, NM_014662.6); c.2611C>A, p.Leu871Met (NM_001242897.2, NM_001363854.2, NM_001364319.2); c.2845C>A, p.Leu949Met (NM_001363852.2, NM_001364318.2, NM_001364320.2); c.2761C>A, p.Leu921Met (NM_001369901.1, NM_001369902.1); short protein forms L871M, L921M, L940M, L949M.
Identifiers: ClinVar variation 3901354 (VCV003901354.1).

ClinVar aggregate classification (germline): Uncertain significance (1 of 4 stars; one submission).

Submission:

GeneDx
Classification: Uncertain significance. Last evaluated: 2024-12-03. Review status: criteria provided, single submitter. Criteria: GeneDx Variant Classification Process June 2021. Collection method: clinical testing. Allele origin: germline. Affected: yes.
Comment: Not observed at significant frequency in large population cohorts (gnomAD); In silico analysis indicates that this missense variant does not alter protein structure/function; Has not been previously published as pathogenic or benign to our knowledge